The following is an entry in ClinVar:

ClinVar aggregate classification (germline): Uncertain significance (1 of 4 stars; one submission).

Conditions:
Propionic acidemia (PROP). Also called: GLYCINEMIA, KETOTIC; HYPERGLYCINEMIA WITH KETOACIDOSIS AND LEUKOPENIA; KETOTIC HYPERGLYCINEMIA. Identifiers: Orphanet 35, MedGen C0268579, MONDO:0011628, OMIM 606054, HP:0003571.

gnomAD v4.1: 22 of 1,613,556 alleles (0.0014%); highest among the groups gnomAD compares: Non-Finnish European, 0.0019%; no homozygotes.

Submission:

Labcorp Genetics (formerly Invitae), Labcorp
Classification: Uncertain significance for Propionic acidemia. Last evaluated: 2025-07-17. Review status: criteria provided, single submitter. Criteria: Invitae Variant Classification Sherloc (09022015). Collection method: clinical testing. Allele origin: germline.
Comment: This sequence change replaces isoleucine, which is neutral and non-polar, with valine, which is neutral and non-polar, at codon 131 of the PCCA protein (p.Ile131Val). This variant is present in population databases (rs759924381, gnomAD 0.002%). This variant has not been reported in the literature in individuals affected with PCCA-related conditions. ClinVar contains an entry for this variant (Variation ID: 2198662). An algorithm developed to predict the effect of missense changes on protein structure and function outputs the following: PolyPhen-2: "Benign". The valine amino acid residue is found in multiple mammalian species, which suggests that this missense change does not adversely affect protein function. In summary, the available evidence is currently insufficient to determine the role of this variant in disease. Therefore, it has been classified as a Variant of Uncertain Significance.

NM_000282.4(PCCA):c.391A>G (p.Ile131Val)

Gene: PCCA (propionyl-CoA carboxylase subunit alpha; plus strand). Cytogenetic location: 13q32.3.
Variant type: single nucleotide variant.
Coding change: c.391A>G on transcript NM_000282.4 (MANE Select); coding-DNA position 391, A replaced by G.
Protein change: p.Ile131Val; replaces isoleucine 131 with valine.
Molecular consequence: missense variant. On other transcripts: 5 prime UTR variant (3), non-coding transcript variant (5).
Genome position (GRCh38, 1-based): chr13:100,155,069, A>G. VCF-style: chr13-100155069-A-G. GRCh37 (hg19) VCF-style: chr13-100807323-A-G.
Other names: c.313A>G, p.Ile105Val (NM_001127692.3, NM_001352607.2, NM_001352608.2); c.391A>G, p.Ile131Val (NM_001178004.2, NM_001352605.2, NM_001352606.2 and 1 more transcripts); c.-476A>G (NM_001352610.2, NM_001352611.2, NM_001352612.2); short protein forms I105V, I131V.
Identifiers: ClinVar variation 2198662 (VCV002198662.2), dbSNP rs759924381, ClinGen allele CA7033206.